The following is an entry in ClinVar:

ClinVar aggregate classification (germline): Uncertain significance (1 of 4 stars; one submission).

Conditions:
Juvenile polyposis syndrome (JPS). Identifiers: Orphanet 2929, MedGen C0345893, MONDO:0017380, OMIM 174900.

Submission:

Labcorp Genetics (formerly Invitae), Labcorp
Classification: Uncertain significance for Juvenile polyposis syndrome. Last evaluated: 2020-11-11. Review status: criteria provided, single submitter. Criteria: Invitae Variant Classification Sherloc (09022015). Collection method: clinical testing. Allele origin: germline.
Comment: Advanced modeling of protein sequence and biophysical properties (such as structural, functional, and spatial information, amino acid conservation, physicochemical variation, residue mobility, and thermodynamic stability) performed at Invitae indicates that this missense variant is expected to disrupt BMPR1A protein function. In summary, the available evidence is currently insufficient to determine the role of this variant in disease. Therefore, it has been classified as a Variant of Uncertain Significance. This variant has not been reported in the literature in individuals with BMPR1A-related conditions. This variant is not present in population databases (ExAC no frequency). This sequence change replaces valine with methionine at codon 260 of the BMPR1A protein (p.Val260Met). The valine residue is highly conserved and there is a small physicochemical difference between valine and methionine.

NM_004329.3(BMPR1A):c.778G>A (p.Val260Met)

Gene: BMPR1A (bone morphogenetic protein receptor type 1A; plus strand). Cytogenetic location: 10q23.2.
Variant type: single nucleotide variant.
Coding change: c.778G>A on transcript NM_004329.3 (MANE Select); coding-DNA position 778, G replaced by A.
Protein change: p.Val260Met; replaces valine 260 with methionine.
Molecular consequence: missense variant.
Genome position (GRCh38, 1-based): chr10:86,917,236, G>A. VCF-style: chr10-86917236-G-A. GRCh37 (hg19) VCF-style: chr10-88676993-G-A.
Other names: short protein forms V260M.
Identifiers: ClinVar variation 1393390 (VCV001393390.8), dbSNP rs2133576357, ClinGen allele CA377457954.